The following is an entry in ClinVar:

NM_007294.4(BRCA1):c.1120A>T (p.Thr374Ser)

Gene: BRCA1 (BRCA1 DNA repair associated; minus strand). Cytogenetic location: 17q21.31.
Variant type: single nucleotide variant.
Coding change: c.1120A>T on transcript NM_007294.4 (MANE Select); coding-DNA position 1120, A replaced by T.
Protein change: p.Thr374Ser; replaces threonine 374 with serine.
Molecular consequence: missense variant. On other transcripts: intron variant (137).
Genome position (GRCh38, 1-based): chr17:43,094,411, T>A on the plus strand (A>T on the coding strand, the complement: BRCA1 is on the minus strand). VCF-style: chr17-43094411-T-A. GRCh37 (hg19) VCF-style: chr17-41246428-T-A.
Other names: c.545-3379A>T (NM_001408495.1); c.661+333A>T (NM_001408448.1, NM_001408446.1, NM_001408435.1 and 6 more transcripts); c.667+1435A>T (NM_001408421.1, NM_001408431.1, NM_001408424.1); c.784+333A>T (NM_001407991.1, NM_001408397.1, NM_001408401.1 and 13 more transcripts); c.664+333A>T (NM_001408427.1, NM_001408436.1, NM_001408444.1 and 12 more transcripts); c.706+333A>T (NM_001408413.1, NM_001408416.1); c.523+333A>T (NM_001408496.1, NM_001408498.1, NM_001408501.1 and 3 more transcripts); c.646+333A>T (NM_001408460.1, NM_001408454.1, NM_001408458.1 and 11 more transcripts); and 40 more; short protein forms T247S, T303S, T307S, T326S, T371S, T373S, T374S, T333S.
Identifiers: ClinVar variation 3481849 (VCV003481849.1).

ClinVar aggregate classification (germline): Uncertain significance (1 of 4 stars; one submission).

Conditions:
Hereditary cancer-predisposing syndrome. Also called: Tumor predisposition; Neoplastic Syndromes, Hereditary; Hereditary Cancer Syndrome; Hereditary neoplastic syndrome. Identifiers: Orphanet 140162, MedGen C0027672, MeSH D009386, MONDO:0015356.

Submission:

Ambry Genetics
Classification: Uncertain significance for Hereditary cancer-predisposing syndrome. Last evaluated: 2024-08-21. Review status: criteria provided, single submitter. Criteria: Ambry Variant Classification Scheme 2023. Collection method: clinical testing. Allele origin: germline.
Comment: The p.T374S variant (also known as c.1120A>T), located in coding exon 9 of the BRCA1 gene, results from an A to T substitution at nucleotide position 1120. The threonine at codon 374 is replaced by serine, an amino acid with similar properties. This amino acid position is conserved. In addition, this alteration is predicted to be deleterious by in silico analysis. Based on the available evidence, the clinical significance of this variant remains unclear.